The following is an entry in ClinVar:

NM_002473.6(MYH9):c.2972C>G (p.Ala991Gly)

Genes: MYH9 (myosin heavy chain 9; minus strand), LOC126863137 (CDK7 strongly-dependent group 2 enhancer GRCh37_chr22:36696002-36697201; plus strand). Cytogenetic location: 22q12.3.
Variant type: single nucleotide variant.
Coding change: c.2972C>G on transcript NM_002473.6 (MANE Select); coding-DNA position 2972, C replaced by G.
Protein change: p.Ala991Gly; replaces alanine 991 with glycine.
Molecular consequence: missense variant.
Genome position (GRCh38, 1-based): chr22:36,300,131, G>C on the plus strand (C>G on the coding strand, the complement: MYH9 is on the minus strand). VCF-style: chr22-36300131-G-C. GRCh37 (hg19) VCF-style: chr22-36696177-G-C.
Other names: short protein forms A991G.
Identifiers: ClinVar variation 2802400 (VCV002802400.3), dbSNP rs1172070794, ClinGen allele CA411391804.
Genomic context (GRCh38, chr22:36,300,131, plus strand): 5'-ACTCTCCCATCCACGGCGCCCCTGGAGCAGCGGCAGGCGACAGCCACGGGCCTCACCTTG[G>C]CCAGCTTGCAGTTCTGGTCCTCCAGGATGATCTGCTCCTCCTCCAGCTTTTTCAGCTTCG-3'
Protein context (NP_002464.1, residues 981-1001): IILEDQNCKL[Ala991Gly]KEKKLLEDRI

ClinVar aggregate classification (germline): Uncertain significance (1 of 4 stars; one submission).

Allele frequency attached by ClinVar (database versions not stated): gnomAD 0.00001; TOPMed 0.00001.
gnomAD v4.1: 2 of 1,611,132 alleles (0.00012%); highest among the groups gnomAD compares: African/African-American, 0.0027%; no homozygotes.

Submission:

Labcorp Genetics (formerly Invitae), Labcorp
Classification: Uncertain significance. Last evaluated: 2024-04-15. Review status: criteria provided, single submitter. Criteria: Invitae Variant Classification Sherloc (09022015). Collection method: clinical testing. Allele origin: germline.
Comment: This sequence change replaces alanine, which is neutral and non-polar, with glycine, which is neutral and non-polar, at codon 991 of the MYH9 protein (p.Ala991Gly). This variant is not present in population databases (gnomAD no frequency). This variant has not been reported in the literature in individuals affected with MYH9-related conditions. Advanced modeling of protein sequence and biophysical properties (such as structural, functional, and spatial information, amino acid conservation, physicochemical variation, residue mobility, and thermodynamic stability) performed at Invitae indicates that this missense variant is not expected to disrupt MYH9 protein function with a negative predictive value of 95%. In summary, the available evidence is currently insufficient to determine the role of this variant in disease. Therefore, it has been classified as a Variant of Uncertain Significance.